The following is an entry in ClinVar:

ClinVar aggregate classification (germline): Uncertain significance. Review status: criteria provided, multiple submitters, no conflicts (2 of 4 stars). 2 submissions from 2 submitters: Uncertain significance (2). Last evaluated 2024-02-05.

Allele frequency attached by ClinVar (database versions not stated): gnomAD exomes below 0.00001; gnomAD 0.00001; TOPMed 0.00001.
gnomAD v4.1: 2 of 1,612,908 alleles (0.00012%); highest among the groups gnomAD compares: Non-Finnish European, 0.00017%; no homozygotes.

Submissions (2):

Blueprint Genetics
Classification: Uncertain significance. Last evaluated: 2024-02-05. Review status: criteria provided, single submitter. Criteria: ACMG Guidelines, 2015. Collection method: clinical testing. Allele origin: germline.

Labcorp Genetics (formerly Invitae), Labcorp
Classification: Uncertain significance. Last evaluated: 2022-04-20. Review status: criteria provided, single submitter. Criteria: Invitae Variant Classification Sherloc (09022015). Collection method: clinical testing. Allele origin: germline.
Comment: This variant has not been reported in the literature in individuals affected with ABCC6-related conditions. In summary, the available evidence is currently insufficient to determine the role of this variant in disease. Therefore, it has been classified as a Variant of Uncertain Significance. Advanced modeling of protein sequence and biophysical properties (such as structural, functional, and spatial information, amino acid conservation, physicochemical variation, residue mobility, and thermodynamic stability) performed at Invitae indicates that this missense variant is expected to disrupt ABCC6 protein function. This variant is present in population databases (no rsID available, gnomAD 0.007%). This sequence change replaces glycine, which is neutral and non-polar, with serine, which is neutral and polar, at codon 756 of the ABCC6 protein (p.Gly756Ser).

NM_001171.6(ABCC6):c.2266G>A (p.Gly756Ser)

Gene: ABCC6 (ATP binding cassette subfamily C member 6; minus strand). Cytogenetic location: 16p13.11.
Variant type: single nucleotide variant.
Coding change: c.2266G>A on transcript NM_001171.6 (MANE Select); coding-DNA position 2266, G replaced by A.
Protein change: p.Gly756Ser; replaces glycine 756 with serine.
Molecular consequence: missense variant. On other transcripts: non-coding transcript variant (1).
Genome position (GRCh38, 1-based): chr16:16,178,947, C>T on the plus strand (G>A on the coding strand, the complement: ABCC6 is on the minus strand). VCF-style: chr16-16178947-C-T. GRCh37 (hg19) VCF-style: chr16-16272804-C-T.
Other names: c.1924G>A, p.Gly642Ser (NM_001351800.1); short protein forms G642S, G756S.
Identifiers: ClinVar variation 1474617 (VCV001474617.9), dbSNP rs1022850449, ClinGen allele CA278645434.